The following is an entry in ClinVar:

NM_000255.4(MMUT):c.700C>T (p.Pro234Ser)

Gene: MMUT (methylmalonyl-CoA mutase; minus strand). Cytogenetic location: 6p12.3.
Variant type: single nucleotide variant.
Coding change: c.700C>T on transcript NM_000255.4 (MANE Select); coding-DNA position 700, C replaced by T.
Protein change: p.Pro234Ser; replaces proline 234 with serine.
Molecular consequence: missense variant.
Genome position (GRCh38, 1-based): chr6:49,457,744, G>A on the plus strand (C>T on the coding strand, the complement: MMUT is on the minus strand). VCF-style: chr6-49457744-G-A. GRCh37 (hg19) VCF-style: chr6-49425457-G-A.
Other names: short protein forms P234S.
Identifiers: ClinVar variation 1019108 (VCV001019108.5), dbSNP rs1442489589, ClinGen allele CA364404008.

ClinVar aggregate classification (germline): Uncertain significance (1 of 4 stars; one submission).

Allele frequency attached by ClinVar (database versions not stated): gnomAD exomes below 0.00001; TOPMed below 0.00001.
gnomAD v4.1: 4 of 1,612,242 alleles (0.00025%); highest among the groups gnomAD compares: Non-Finnish European, 0.00034%; no homozygotes.

Submission:

Labcorp Genetics (formerly Invitae), Labcorp
Classification: Uncertain significance. Last evaluated: 2024-08-09. Review status: criteria provided, single submitter. Criteria: Invitae Variant Classification Sherloc (09022015). Collection method: clinical testing. Allele origin: germline.
Comment: This sequence change replaces proline, which is neutral and non-polar, with serine, which is neutral and polar, at codon 234 of the MUT protein (p.Pro234Ser). This variant is present in population databases (no rsID available, gnomAD 0.0009%). This variant has not been reported in the literature in individuals affected with MUT-related conditions. ClinVar contains an entry for this variant (Variation ID: 1019108). Advanced modeling of protein sequence and biophysical properties (such as structural, functional, and spatial information, amino acid conservation, physicochemical variation, residue mobility, and thermodynamic stability) performed at Invitae indicates that this missense variant is expected to disrupt MUT protein function with a positive predictive value of 95%. In summary, the available evidence is currently insufficient to determine the role of this variant in disease. Therefore, it has been classified as a Variant of Uncertain Significance.